The following is an entry in ClinVar:

NM_020297.4(ABCC9):c.3005T>A (p.Leu1002His)

Gene: ABCC9 (ATP binding cassette subfamily C member 9; minus strand). Cytogenetic location: 12p12.1.
Variant type: single nucleotide variant.
Coding change: c.3005T>A on transcript NM_020297.4 (MANE Select); coding-DNA position 3005, T replaced by A.
Protein change: p.Leu1002His; replaces leucine 1002 with histidine.
Molecular consequence: missense variant.
Genome position (GRCh38, 1-based): chr12:21,845,694, A>T on the plus strand (T>A on the coding strand, the complement: ABCC9 is on the minus strand). VCF-style: chr12-21845694-A-T. GRCh37 (hg19) VCF-style: chr12-21998628-A-T.
Other names: c.3005T>A, p.Leu1002His (NM_001377273.1, NM_005691.4); c.2138T>A, p.Leu713His (NM_001377274.1); short protein forms L1002H, L713H.
Identifiers: ClinVar variation 961235 (VCV000961235.9), dbSNP rs1944625184, ClinGen allele CA384119872.

ClinVar aggregate classification (germline): Uncertain significance (1 of 4 stars; one submission).

Conditions:
Dilated cardiomyopathy 1O (CMD1O). Also called: CARDIOMYOPATHY, DILATED, WITH VENTRICULAR TACHYCARDIA. Identifiers: Orphanet 154, MedGen C1837839, MONDO:0012062, OMIM 608569.

Submission:

Labcorp Genetics (formerly Invitae), Labcorp
Classification: Uncertain significance for Dilated cardiomyopathy 1O. Last evaluated: 2022-11-07. Review status: criteria provided, single submitter. Criteria: Invitae Variant Classification Sherloc (09022015). Collection method: clinical testing. Allele origin: germline.
Comment: In summary, the available evidence is currently insufficient to determine the role of this variant in disease. Therefore, it has been classified as a Variant of Uncertain Significance. Advanced modeling of protein sequence and biophysical properties (such as structural, functional, and spatial information, amino acid conservation, physicochemical variation, residue mobility, and thermodynamic stability) performed at Invitae indicates that this missense variant is expected to disrupt ABCC9 protein function. This sequence change replaces leucine, which is neutral and non-polar, with histidine, which is basic and polar, at codon 1002 of the ABCC9 protein (p.Leu1002His). This variant is not present in population databases (gnomAD no frequency). This variant has not been reported in the literature in individuals affected with ABCC9-related conditions. ClinVar contains an entry for this variant (Variation ID: 961235).